The following is an entry in ClinVar:

ClinVar aggregate classification (germline): Uncertain significance. Review status: criteria provided, multiple submitters, no conflicts (2 of 4 stars). 2 submissions from 2 submitters: Uncertain significance (2). Last evaluated 2024-05-03.

Conditions:
Familial hypocalciuric hypercalcemia 1. Also called: Hypercalcemia, familial benign type 1. Identifiers: Orphanet 405, Orphanet 93372, MedGen C0342637, MONDO:0007791, OMIM 145980.
Epilepsy, idiopathic generalized, susceptibility to, 8. Identifiers: MedGen C2752062, MONDO:0013032, OMIM 612899.
Autosomal dominant hypocalcemia 1 (HYPOC1). Also called: HYPOCALCEMIA, FAMILIAL. Identifiers: MedGen C3715128, MONDO:0011013, OMIM 601198.
Neonatal severe primary hyperparathyroidism. Identifiers: Orphanet 417, MedGen C1832615, MONDO:0009397, OMIM 239200.
Familial hypocalciuric hypercalcemia (FHH). Also called: Familial benign hypercalcemia. Identifiers: Orphanet 405, MedGen C1809471, MONDO:0018458.

Allele frequency attached by ClinVar (database versions not stated): gnomAD exomes below 0.00001 and 0.00001; ExAC 0.00001.
gnomAD v4.1: 4 of 1,614,166 alleles (0.00025%); highest among the groups gnomAD compares: Non-Finnish European, 0.00025%; no homozygotes.

Submissions (2):

Fulgent Genetics
Classification: Uncertain significance for Familial hypocalciuric hypercalcemia 1; Neonatal severe primary hyperparathyroidism; Autosomal dominant hypocalcemia 1; Epilepsy, idiopathic generalized, susceptibility to, 8. Last evaluated: 2024-05-03. Review status: criteria provided, single submitter. Criteria: ACMG Guidelines, 2015. Collection method: clinical testing. Allele origin: germline.

Labcorp Genetics (formerly Invitae), Labcorp
Classification: Uncertain significance for Familial hypocalciuric hypercalcemia; Autosomal dominant hypocalcemia 1. Last evaluated: 2023-07-14. Review status: criteria provided, single submitter. Criteria: Invitae Variant Classification Sherloc (09022015). Collection method: clinical testing. Allele origin: germline.
Comment: Algorithms developed to predict the effect of missense changes on protein structure and function output the following: SIFT: "Not Available"; PolyPhen-2: "Benign"; Align-GVGD: "Not Available". The alanine amino acid residue is found in multiple mammalian species, which suggests that this missense change does not adversely affect protein function. ClinVar contains an entry for this variant (Variation ID: 1041847). This variant has not been reported in the literature in individuals affected with CASR-related conditions. This variant is present in population databases (rs750427763, gnomAD 0.002%). This sequence change replaces valine, which is neutral and non-polar, with alanine, which is neutral and non-polar, at codon 343 of the CASR protein (p.Val343Ala). In summary, the available evidence is currently insufficient to determine the role of this variant in disease. Therefore, it has been classified as a Variant of Uncertain Significance.

NM_000388.4(CASR):c.1028T>C (p.Val343Ala)

Gene: CASR (calcium sensing receptor; plus strand). Cytogenetic location: 3q21.1.
Variant type: single nucleotide variant.
Coding change: c.1028T>C on transcript NM_000388.4 (MANE Select); coding-DNA position 1028, T replaced by C.
Protein change: p.Val343Ala; replaces valine 343 with alanine.
Molecular consequence: missense variant.
Genome position (GRCh38, 1-based): chr3:122,262,063, T>C. VCF-style: chr3-122262063-T-C. GRCh37 (hg19) VCF-style: chr3-121980910-T-C.
Other names: c.1028T>C, p.Val343Ala (NM_001178065.2); short protein forms V343A.
Identifiers: ClinVar variation 1041847 (VCV001041847.10), dbSNP rs750427763, ClinGen allele CA2569581.
Genomic context (GRCh38, chr3:122,262,063, plus strand): 5'-AGGCTGGGCAGATCCCAGGCTTCCGGGAATTCCTGAAGAAGGTCCATCCCAGGAAGTCTG[T>C]CCACAATGGTTTTGCCAAGGAGTTTTGGGAAGAAACATTTAACTGCCACCTCCAAGAAGG-3'
Protein context (NP_000379.3, residues 333-353): FLKKVHPRKS[Val343Ala]HNGFAKEFWE